The following is an entry in ClinVar:

ClinVar aggregate classification (germline): Likely benign. Review status: criteria provided, multiple submitters, no conflicts (2 of 4 stars). 2 submissions from 2 submitters: Likely benign (2). Last evaluated 2025-04-11.

Conditions:
Familial cancer of breast. Also called: Hereditary breast cancer; BREAST CANCER, FAMILIAL; hereditary breast carcinoma. Identifiers: Orphanet 227535, MedGen C0346153, MONDO:0016419, OMIM 114480. Disease mechanism: loss of function.

Allele frequency attached by ClinVar (database versions not stated): gnomAD exomes below 0.00001; ExAC 0.00001; gnomAD 0.00001.
gnomAD v4.1: 1 of 1,613,900 alleles (0.000062%); highest among the groups gnomAD compares: African/African-American, 0.0013%; no homozygotes.

Submissions (2):

Labcorp Genetics (formerly Invitae), Labcorp
Classification: Likely benign for Familial cancer of breast. Last evaluated: 2025-04-11. Review status: criteria provided, single submitter. Criteria: Invitae Variant Classification Sherloc (09022015). Collection method: clinical testing. Allele origin: germline.

Myriad Genetics, Inc.
Classification: Likely benign for Familial cancer of breast. Last evaluated: 2025-01-21. Review status: criteria provided, single submitter. Criteria: Myriad Autosomal Dominant, Autosomal Recessive and X-Linked Classification Criteria (2023). Collection method: clinical testing. Allele origin: unknown.
Comment: This variant is considered likely benign. This variant is intronic and is not expected to impact mRNA splicing.

NM_024675.4(PALB2):c.2996+10G>T

Gene: PALB2 (partner and localizer of BRCA2; minus strand). Cytogenetic location: 16p12.2.
Variant type: single nucleotide variant.
Coding change: c.2996+10G>T on transcript NM_024675.4 (MANE Select); 10 bases into the intron after coding-DNA position 2996, G replaced by T.
Molecular consequence: intron variant.
Genome position (GRCh38, 1-based): chr16:23,622,959, C>A on the plus strand (G>T on the coding strand, the complement: PALB2 is on the minus strand). VCF-style: chr16-23622959-C-A. GRCh37 (hg19) VCF-style: chr16-23634280-C-A.
Identifiers: ClinVar variation 1088624 (VCV001088624.12), dbSNP rs773023007, ClinGen allele CA7963455.